The following is an entry in ClinVar:

ClinVar aggregate classification (germline): Uncertain significance (1 of 4 stars; one submission).

Conditions:
Cardiovascular phenotype. Identifiers: MedGen CN230736.

Submission:

Ambry Genetics
Classification: Uncertain significance for Cardiovascular phenotype. Last evaluated: 2023-07-15. Review status: criteria provided, single submitter. Criteria: Ambry Variant Classification Scheme 2023. Collection method: clinical testing. Allele origin: germline.
Comment: The p.Q268R variant (also known as c.803A>G), located in coding exon 9 of the EYA4 gene, results from an A to G substitution at nucleotide position 803. The glutamine at codon 268 is replaced by arginine, an amino acid with highly similar properties. This amino acid position is conserved. In addition, this alteration is predicted to be deleterious by in silico analysis. Since supporting evidence is limited at this time, the clinical significance of this alteration remains unclear.

NM_004100.5(EYA4):c.803A>G (p.Gln268Arg)

Gene: EYA4 (EYA transcriptional coactivator and phosphatase 4; plus strand). Cytogenetic location: 6q23.2.
Variant type: single nucleotide variant.
Coding change: c.803A>G on transcript NM_004100.5 (MANE Select); coding-DNA position 803, A replaced by G.
Protein change: p.Gln268Arg; replaces glutamine 268 with arginine.
Molecular consequence: missense variant.
Genome position (GRCh38, 1-based): chr6:133,464,857, A>G. VCF-style: chr6-133464857-A-G. GRCh37 (hg19) VCF-style: chr6-133785995-A-G.
Other names: c.641A>G, p.Gln214Arg (NM_001301012.2, NM_001370459.1); c.803A>G, p.Gln268Arg (NM_001301013.2, NM_172105.4); c.734A>G, p.Gln245Arg (NM_001370458.1, NM_172103.4); short protein forms Q214R, Q245R, Q268R.
Identifiers: ClinVar variation 2625466 (VCV002625466.2), dbSNP rs2534605618, ClinGen allele CA365701428.